The following is an entry in ClinVar:

NM_181672.3(OGT):c.2097G>A (p.Met699Ile)

Gene: OGT (O-linked N-acetylglucosamine (GlcNAc) transferase; plus strand). Cytogenetic location: Xq13.1.
Variant type: single nucleotide variant.
Coding change: c.2097G>A on transcript NM_181672.3 (MANE Select); coding-DNA position 2097, G replaced by A.
Protein change: p.Met699Ile; replaces methionine 699 with isoleucine.
Molecular consequence: missense variant.
Genome position (GRCh38, 1-based): chrX:71,562,966, G>A. VCF-style: chrX-71562966-G-A. GRCh37 (hg19) VCF-style: chrX-70782816-G-A.
Other names: c.2067G>A, p.Met689Ile (NM_181673.3); short protein forms M689I, M699I.
Identifiers: ClinVar variation 4278801 (VCV004278801.1).

ClinVar aggregate classification (germline): Uncertain significance (1 of 4 stars; one submission).

Submission:

GeneDx
Classification: Uncertain significance. Last evaluated: 2025-03-30. Review status: criteria provided, single submitter. Criteria: GeneDx Variant Classification Process June 2021. Collection method: clinical testing. Allele origin: germline. Affected: yes.
Comment: In silico analysis supports that this missense variant has a deleterious effect on protein structure/function; Not observed at significant frequency in large population cohorts (gnomAD); Has not been previously published as pathogenic or benign to our knowledge